The following is an entry in ClinVar:

ClinVar aggregate classification (germline): Uncertain significance. Review status: criteria provided, multiple submitters, no conflicts (2 of 4 stars). 3 submissions from 3 submitters: Uncertain significance (3). Last evaluated 2025-09-28.

Conditions:
Inborn genetic diseases. Identifiers: MedGen C0950123, MeSH D030342.

Allele frequency attached by ClinVar (database versions not stated): TOPMed 0.00006; gnomAD 0.00009; ESP Exome Variant Server 0.00016.
gnomAD v4.1: 31 of 1,614,108 alleles (0.0019%); highest among the groups gnomAD compares: African/African-American, 0.035%; no homozygotes.

Submissions (3):

Ambry Genetics
Classification: Uncertain significance for Inborn genetic diseases. Last evaluated: 2025-09-28. Review status: criteria provided, single submitter. Criteria: Ambry Variant Classification Scheme 2023. Collection method: clinical testing. Allele origin: germline.

Labcorp Genetics (formerly Invitae), Labcorp
Classification: Uncertain significance. Last evaluated: 2024-04-17. Review status: criteria provided, single submitter. Criteria: Invitae Variant Classification Sherloc (09022015). Collection method: clinical testing. Allele origin: germline.
Comment: This sequence change replaces asparagine, which is neutral and polar, with serine, which is neutral and polar, at codon 210 of the RGS9 protein (p.Asn210Ser). This variant is present in population databases (rs374824643, gnomAD 0.02%). This variant has not been reported in the literature in individuals affected with RGS9-related conditions. ClinVar contains an entry for this variant (Variation ID: 1023322). Advanced modeling of protein sequence and biophysical properties (such as structural, functional, and spatial information, amino acid conservation, physicochemical variation, residue mobility, and thermodynamic stability) performed at Invitae indicates that this missense variant is not expected to disrupt RGS9 protein function with a negative predictive value of 80%. In summary, the available evidence is currently insufficient to determine the role of this variant in disease. Therefore, it has been classified as a Variant of Uncertain Significance.

Blueprint Genetics
Classification: Uncertain significance. Last evaluated: 2022-10-07. Review status: criteria provided, single submitter. Criteria: ACMG Guidelines, 2015. Collection method: clinical testing. Allele origin: germline.

NM_003835.4(RGS9):c.629A>G (p.Asn210Ser)

Gene: RGS9 (regulator of G protein signaling 9; plus strand). Cytogenetic location: 17q24.1.
Variant type: single nucleotide variant.
Coding change: c.629A>G on transcript NM_003835.4 (MANE Select); coding-DNA position 629, A replaced by G.
Protein change: p.Asn210Ser; replaces asparagine 210 with serine.
Molecular consequence: missense variant.
Genome position (GRCh38, 1-based): chr17:65,177,778, A>G. VCF-style: chr17-65177778-A-G. GRCh37 (hg19) VCF-style: chr17-63173896-A-G.
Other names: c.629A>G, p.Asn210Ser (NM_001081955.3, NM_001165933.2); c.629A>G (NM_003835.3); short protein forms N210S.
Identifiers: ClinVar variation 1023322 (VCV001023322.9), dbSNP rs374824643, ClinGen allele CA8717748.
Genomic context (GRCh38, chr17:65,177,778, plus strand): 5'-TTTATTCCATTTAGCCTGGAATGGACAATGTGCTGGACTACGGCCTGGACCGAGTGACCA[A>G]TCCGAATGAAGTCAAGGTAAACCAGGTATGTCTCTGCTGCATAGTTTGGGTAGGGCCTAG-3'
Protein context (NP_003826.2, residues 200-220): VLDYGLDRVT[Asn210Ser]PNEVKVNQKQ